The following is an entry in ClinVar:

ClinVar aggregate classification (germline): Uncertain significance (1 of 4 stars; one submission).

gnomAD v4.1: 1 of 1,613,956 alleles (0.000062%); highest among the groups gnomAD compares: Non-Finnish European, 0.000085%; no homozygotes.

Submission:

Ambry Genetics
Classification: Uncertain significance. Last evaluated: 2024-04-18. Review status: criteria provided, single submitter. Criteria: Ambry Variant Classification Scheme 2023. Collection method: clinical testing. Allele origin: germline.
Comment: The p.F1042L variant (also known as c.3124T>C), located in coding exon 17 of the PALLD gene, results from a T to C substitution at nucleotide position 3124. The phenylalanine at codon 1042 is replaced by leucine, an amino acid with highly similar properties. This amino acid position is conserved. In addition, the in silico prediction for this alteration is inconclusive. Based on the available evidence, the clinical significance of this variant remains unclear.

NM_001166108.2(PALLD):c.3175T>C (p.Phe1059Leu)

Genes: CBR4 (carbonyl reductase 4; minus strand), PALLD (palladin, cytoskeletal associated protein; plus strand). Cytogenetic location: 4q32.3.
Variant type: single nucleotide variant.
Coding change: c.3175T>C on transcript NM_001166108.2 (MANE Select); coding-DNA position 3175, T replaced by C.
Protein change: p.Phe1059Leu; replaces phenylalanine 1059 with leucine.
Molecular consequence: missense variant.
Genome position (GRCh38, 1-based): chr4:168,924,371, T>C. VCF-style: chr4-168924371-T-C. GRCh37 (hg19) VCF-style: chr4-169845522-T-C.
Other names: c.1978T>C, p.Phe660Leu (NM_001166109.2); c.1663T>C, p.Phe555Leu (NM_001166110.2); c.1003T>C, p.Phe335Leu (NM_001367567.1, NM_001367569.1); c.1054T>C, p.Phe352Leu (NM_001367568.1, NM_001367570.1); c.3124T>C, p.Phe1042Leu (NM_016081.4); short protein forms F1042L, F335L, F660L, F1059L, F352L, F555L.
Identifiers: ClinVar variation 3304063 (VCV003304063.1).
Genomic context (GRCh38, chr4:168,924,371, plus strand): 5'-GCTGATGGGTACCCAGTGCGGCTGGAATGTCGTGTATTGGGAGTGCCACCACCTCAGATA[T>C]TTTGGAAGAAAGAAAATGAATCACTCACTCACAGCACTGACCGAGTGAGGTAAGACTGCA-3'
Protein context (NP_001159580.1, residues 1049-1069): RVLGVPPPQI[Phe1059Leu]WKKENESLTH